The following is an entry in ClinVar:

NM_001040142.2(SCN2A):c.5529T>G (p.Asp1843Glu)

Gene: SCN2A (sodium voltage-gated channel alpha subunit 2; plus strand). Cytogenetic location: 2q24.3.
Variant type: single nucleotide variant.
Coding change: c.5529T>G on transcript NM_001040142.2 (MANE Select); coding-DNA position 5529, T replaced by G.
Protein change: p.Asp1843Glu; replaces aspartic acid 1843 with glutamic acid.
Molecular consequence: missense variant.
Genome position (GRCh38, 1-based): chr2:165,389,335, T>G. VCF-style: chr2-165389335-T-G. GRCh37 (hg19) VCF-style: chr2-166245845-T-G.
Other names: c.5529T>G, p.Asp1843Glu (NM_001040143.2, NM_001371246.1, NM_001371247.1 and 1 more transcripts); short protein forms D1843E.
Identifiers: ClinVar variation 1316180 (VCV001316180.2), dbSNP rs2105403324, ClinGen allele CA349039259.

ClinVar aggregate classification (germline): Uncertain significance (1 of 4 stars; one submission).

Submission:

GeneDx
Classification: Uncertain significance. Last evaluated: 2019-07-31. Review status: criteria provided, single submitter. Criteria: GeneDx Variant Classification Process June 2021. Collection method: clinical testing. Allele origin: germline. Affected: yes.
Comment: Not observed in large population cohorts (Lek et al., 2016); The majority of missense variants in this gene are considered pathogenic (Stenson et al., 2014); In silico analysis, which includes protein predictors and evolutionary conservation, supports a deleterious effect; Has not been previously published as pathogenic or benign to our knowledge; Within the C-terminal cytoplasmic domain